The following is an entry in ClinVar:

ClinVar aggregate classification (germline): Uncertain significance (1 of 4 stars; one submission).

Conditions:
Familial meningioma. Also called: Meningioma, familial, susceptibility to. Identifiers: Orphanet 263662, MedGen C3551915, MONDO:0011789, OMIM 607174.

gnomAD v4.1: 1 of 1,613,948 alleles (0.000062%); highest among the groups gnomAD compares: South Asian, 0.0011%; no homozygotes.

Submission:

Labcorp Genetics (formerly Invitae), Labcorp
Classification: Uncertain significance for Familial meningioma. Last evaluated: 2023-01-05. Review status: criteria provided, single submitter. Criteria: Invitae Variant Classification Sherloc (09022015). Collection method: clinical testing. Allele origin: germline.
Comment: This variant has not been reported in the literature in individuals affected with SMARCE1-related conditions. In summary, the available evidence is currently insufficient to determine the role of this variant in disease. Therefore, it has been classified as a Variant of Uncertain Significance. Advanced modeling of protein sequence and biophysical properties (such as structural, functional, and spatial information, amino acid conservation, physicochemical variation, residue mobility, and thermodynamic stability) performed at Invitae indicates that this missense variant is not expected to disrupt SMARCE1 protein function. This variant is not present in population databases (gnomAD no frequency). This sequence change replaces proline, which is neutral and non-polar, with alanine, which is neutral and non-polar, at codon 320 of the SMARCE1 protein (p.Pro320Ala).

NM_003079.5(SMARCE1):c.958C>G (p.Pro320Ala)

Gene: SMARCE1 (SWI/SNF related BAF chromatin remodeling complex subunit E1; minus strand). Cytogenetic location: 17q21.2.
Variant type: single nucleotide variant.
Coding change: c.958C>G on transcript NM_003079.5 (MANE Select); coding-DNA position 958, C replaced by G.
Protein change: p.Pro320Ala; replaces proline 320 with alanine.
Molecular consequence: missense variant.
Genome position (GRCh38, 1-based): chr17:40,630,783, G>C on the plus strand (C>G on the coding strand, the complement: SMARCE1 is on the minus strand). VCF-style: chr17-40630783-G-C. GRCh37 (hg19) VCF-style: chr17-38787035-G-C.
Other names: short protein forms P320A.
Identifiers: ClinVar variation 2786612 (VCV002786612.3), dbSNP rs1176390337, ClinGen allele CA399363445.